The following is an entry in ClinVar:

NM_003924.4(PHOX2B):c.604C>G (p.Pro202Ala)

Gene: PHOX2B (paired like homeobox 2B; minus strand). Cytogenetic location: 4p13.
Variant type: single nucleotide variant.
Coding change: c.604C>G on transcript NM_003924.4 (MANE Select); coding-DNA position 604, C replaced by G.
Protein change: p.Pro202Ala; replaces proline 202 with alanine.
Molecular consequence: missense variant.
Genome position (GRCh38, 1-based): chr4:41,746,148, G>C on the plus strand (C>G on the coding strand, the complement: PHOX2B is on the minus strand). VCF-style: chr4-41746148-G-C. GRCh37 (hg19) VCF-style: chr4-41748165-G-C.
Other names: short protein forms P202A.
Identifiers: ClinVar variation 3223590 (VCV003223590.1), dbSNP rs2552096865, ClinGen allele CA356737772.

ClinVar aggregate classification (germline): Uncertain significance (1 of 4 stars; one submission).

Conditions:
Hereditary cancer-predisposing syndrome. Also called: Tumor predisposition; Hereditary neoplastic syndrome; Hereditary Cancer Syndrome; Neoplastic Syndromes, Hereditary. Identifiers: Orphanet 140162, MedGen C0027672, MeSH D009386, MONDO:0015356.

Submission:

Ambry Genetics
Classification: Uncertain significance for Hereditary cancer-predisposing syndrome. Last evaluated: 2023-12-14. Review status: criteria provided, single submitter. Criteria: Ambry Variant Classification Scheme 2023. Collection method: clinical testing. Allele origin: germline.
Comment: The p.P202A variant (also known as c.604C>G), located in coding exon 3 of the PHOX2B gene, results from a C to G substitution at nucleotide position 604. The proline at codon 202 is replaced by alanine, an amino acid with highly similar properties. This amino acid position is conserved. In addition, this alteration is predicted to be tolerated by in silico analysis. Since supporting evidence is limited at this time, the clinical significance of this alteration remains unclear.